The following is an entry in ClinVar:

NM_001010892.3(RSPH4A):c.690T>G (p.Tyr230Ter)

Gene: RSPH4A (radial spoke head component 4A; plus strand). Cytogenetic location: 6q22.1.
Variant type: single nucleotide variant.
Coding change: c.690T>G on transcript NM_001010892.3 (MANE Select); coding-DNA position 690, T replaced by G.
Protein change: p.Tyr230Ter; replaces tyrosine 230 with a stop codon.
Molecular consequence: nonsense.
Genome position (GRCh38, 1-based): chr6:116,622,771, T>G. VCF-style: chr6-116622771-T-G. GRCh37 (hg19) VCF-style: chr6-116943934-T-G.
Other names: c.690T>G, p.Tyr230Ter (NM_001161664.2); short protein forms Y230*.
Identifiers: ClinVar variation 525252 (VCV000525252.9), dbSNP rs1554248617, ClinGen allele CA365397323.
Genomic context (GRCh38, chr6:116,622,771, plus strand): 5'-TGCTTCTTCAAATGCTCTTGACATGTATATTATCTGGAATTTTCTCTGTTTGGATAGATA[T>G]GATCATCTTTCTAATATGTTGACCAAGATATTAAATGAGCGTCCTGAAAATGCTGTTGAC-3'

ClinVar aggregate classification (germline): Pathogenic (1 of 4 stars; one submission).

Conditions:
Primary ciliary dyskinesia. Also called: Ciliary dyskinesia. Identifiers: Orphanet 244, MedGen C0008780, MONDO:0016575, HP:0012265.

Submission:

Labcorp Genetics (formerly Invitae), Labcorp
Classification: Pathogenic for Primary ciliary dyskinesia. Last evaluated: 2022-09-01. Review status: criteria provided, single submitter. Criteria: Invitae Variant Classification Sherloc (09022015). Collection method: clinical testing. Allele origin: germline.
Comment: This variant has not been reported in the literature in individuals affected with RSPH4A-related conditions. For these reasons, this variant has been classified as Pathogenic. Algorithms developed to predict the effect of sequence changes on RNA splicing suggest that this variant may create or strengthen a splice site. ClinVar contains an entry for this variant (Variation ID: 525252). This variant is not present in population databases (gnomAD no frequency). This sequence change creates a premature translational stop signal (p.Tyr230*) in the RSPH4A gene. It is expected to result in an absent or disrupted protein product. Loss-of-function variants in RSPH4A are known to be pathogenic (PMID: 19200523).

Literature cited by the submitters: PubMed 19200523.